The following is an entry in ClinVar:

NM_001371623.1(TCOF1):c.4243A>T (p.Lys1415Ter)

Gene: TCOF1 (treacle ribosome biogenesis factor 1; plus strand). Cytogenetic location: 5q32.
Variant type: single nucleotide variant.
Coding change: c.4243A>T on transcript NM_001371623.1 (MANE Select); coding-DNA position 4243, A replaced by T.
Protein change: p.Lys1415Ter; replaces lysine 1415 with a stop codon.
Molecular consequence: nonsense.
Genome position (GRCh38, 1-based): chr5:150,396,740, A>T. VCF-style: chr5-150396740-A-T. GRCh37 (hg19) VCF-style: chr5-149776303-A-T.
Other names: c.4009A>T, p.Lys1337Ter (NM_000356.4); c.4240A>T, p.Lys1414Ter (NM_001135243.2); c.4129A>T, p.Lys1377Ter (NM_001135244.2); c.4012A>T, p.Lys1338Ter (NM_001135245.2); c.4126A>T, p.Lys1376Ter (NM_001195141.2); short protein forms K1337*, K1338*, K1376*, K1377*, K1414*, K1415*.
Identifiers: ClinVar variation 1705487 (VCV001705487.1), dbSNP rs2534551107, ClinGen allele CA361743634.
Genomic context (GRCh38, chr5:150,396,740, plus strand): 5'-AAAGCAAGTGGTGATGTCAAGGAGAAGAAAGGGAAGGGGTCTCTTGGCTCCCAAGGGGCC[A>T]AGGACGAGCCAGAAGAGGAGCTTCAGAAGGGGATGGGGACGGTTGAAGGTGGAGATCAAA-3'

ClinVar aggregate classification (germline): Likely pathogenic (1 of 4 stars; one submission).

Conditions:
Treacher Collins syndrome 1 (TCS1). Also called: TCOF1-Related Treacher Collins Syndrome. Identifiers: Orphanet 861, MedGen CN315775, MONDO:0007944, OMIM 154500.

Submission:

3billion
Classification: Likely pathogenic for Treacher Collins syndrome 1. Last evaluated: 2022-09-01. Review status: criteria provided, single submitter. Criteria: ACMG Guidelines, 2015. Collection method: clinical testing. Allele origin: germline. Affected: yes. Observed: 1 heterozygote.
Comment: The variant is not observed in the gnomAD v2.1.1 dataset. Stop-gained (nonsense) is predicted to result in a loss or disruption of normal protein function through nonsense-mediated decay (NMD) or protein truncation. Multiple pathogenic variants are reported downstream of the variant. Therefore, this variant is classified as Likely pathogenic according to the recommendation of ACMG/AMP guideline.